The following is an entry in ClinVar:

NM_004168.4(SDHA):c.4T>C (p.Ser2Pro)

Gene: SDHA (succinate dehydrogenase complex flavoprotein subunit A; plus strand). Cytogenetic location: 5p15.33.
Variant type: single nucleotide variant.
Coding change: c.4T>C on transcript NM_004168.4 (MANE Select); coding-DNA position 4, T replaced by C.
Protein change: p.Ser2Pro; replaces serine 2 with proline.
Molecular consequence: missense variant.
Genome position (GRCh38, 1-based): chr5:218,359, T>C. VCF-style: chr5-218359-T-C. GRCh37 (hg19) VCF-style: chr5-218474-T-C.
Other names: c.4T>C, p.Ser2Pro (NM_001294332.2, NM_001330758.2); c.4T>C (NM_004168.2); short protein forms S2P.
Identifiers: ClinVar variation 1419015 (VCV001419015.7), dbSNP rs758327622, ClinGen allele CA3172676.

ClinVar aggregate classification (germline): Uncertain significance. Review status: criteria provided, multiple submitters, no conflicts (2 of 4 stars). 2 submissions from 2 submitters: Uncertain significance (2). Last evaluated 2025-01-22.

Conditions:
Mitochondrial complex II deficiency, nuclear type 1. Also called: SUCCINATE CoQ REDUCTASE DEFICIENCY. Identifiers: Orphanet 3208, MedGen C5700310, MONDO:0100294, OMIM 252011.
Pheochromocytoma/paraganglioma syndrome 5. Also called: Paragangliomas 5; SDHA-Related Hereditary Paraganglioma-Pheochromocytoma Syndrome. Identifiers: Orphanet 29072, MedGen C3279992, MONDO:0013602, OMIM 614165.
Hereditary cancer-predisposing syndrome. Also called: Tumor predisposition; Hereditary Cancer Syndrome; Hereditary neoplastic syndrome; Neoplastic Syndromes, Hereditary. Identifiers: Orphanet 140162, MedGen C0027672, MeSH D009386, MONDO:0015356.

Allele frequency attached by ClinVar (database versions not stated): ExAC 0.00002.

Submissions (2):

Ambry Genetics
Classification: Uncertain significance for Hereditary cancer-predisposing syndrome. Last evaluated: 2025-01-22. Review status: criteria provided, single submitter. Criteria: Ambry Variant Classification Scheme 2023. Collection method: clinical testing. Allele origin: germline.
Comment: The p.S2P variant (also known as c.4T>C), located in coding exon 1 of the SDHA gene, results from a T to C substitution at nucleotide position 4. The serine at codon 2 is replaced by proline, an amino acid with similar properties. This amino acid position is not well conserved in available vertebrate species. In addition, this alteration is predicted to be tolerated by in silico analysis. Based on the available evidence, the clinical significance of this variant remains unclear.

Labcorp Genetics (formerly Invitae), Labcorp
Classification: Uncertain significance for Pheochromocytoma/paraganglioma syndrome 5; Mitochondrial complex II deficiency, nuclear type 1. Last evaluated: 2021-08-12. Review status: criteria provided, single submitter. Criteria: Invitae Variant Classification Sherloc (09022015). Collection method: clinical testing. Allele origin: germline.
Comment: In summary, the available evidence is currently insufficient to determine the role of this variant in disease. Therefore, it has been classified as a Variant of Uncertain Significance. Advanced modeling of protein sequence and biophysical properties (such as structural, functional, and spatial information, amino acid conservation, physicochemical variation, residue mobility, and thermodynamic stability) performed at Invitae indicates that this missense variant is not expected to disrupt SDHA protein function. This variant has not been reported in the literature in individuals affected with SDHA-related conditions. The frequency data for this variant in the population databases is considered unreliable, as metrics indicate poor data quality at this position in the ExAC database. This sequence change replaces serine with proline at codon 2 of the SDHA protein (p.Ser2Pro). The serine residue is weakly conserved and there is a moderate physicochemical difference between serine and proline.